The following is an entry in ClinVar:

NM_015040.4(PIKFYVE):c.1206A>G (p.Thr402=)

Gene: PIKFYVE (phosphoinositide kinase, FYVE-type zinc finger containing; plus strand). Cytogenetic location: 2q34.
Variant type: single nucleotide variant.
Coding change: c.1206A>G on transcript NM_015040.4 (MANE Select); coding-DNA position 1206, A replaced by G.
Protein change: p.Thr402=; no amino-acid change (threonine 402 retained).
Molecular consequence: synonymous variant.
Genome position (GRCh38, 1-based): chr2:208,301,092, A>G. VCF-style: chr2-208301092-A-G. GRCh37 (hg19) VCF-style: chr2-209165816-A-G.
Other names: c.1206A>G, p.Thr402= (NM_001178000.2); c.915A>G, p.Thr305= (NM_152671.4).
Identifiers: ClinVar variation 772857 (VCV000772857.9), dbSNP rs745795722, ClinGen allele CA2079467.
Genomic context (GRCh38, chr2:208,301,092, plus strand): 5'-CAACTGCATTGTAGGAAAGGAATTAGTCAACTGGCTAATCCGAAATGGGCATATTGCCAC[A>G]AGGTATTCTGATCTTAGAAGGTTTCAATATTATTTGTTTATTTTGAATGAGAAAACATAT-3'
Protein context (NP_055855.2, residues 392-412): NWLIRNGHIA[Thr402=]RAQAIAIGQA

ClinVar aggregate classification (germline): Likely benign. Review status: criteria provided, multiple submitters, no conflicts (2 of 4 stars). 3 submissions from 3 submitters: Likely benign (2). 1 of the submissions does not count toward it. Last evaluated 2018-01-13.

Conditions:
PIKFYVE-related disorder. Also called: PIKFYVE-related condition.
Fleck corneal dystrophy (CFD). Also called: CORNEAL DYSTROPHY, FRANCOIS-NEETENS SPECKLED OR FLECKED. Identifiers: Orphanet 98970, MedGen C1562113, MONDO:0007376, OMIM 121850.

Allele frequency attached by ClinVar (database versions not stated): gnomAD 0.00001; gnomAD exomes 0.00001 and 0.00002; ExAC 0.00002; TOPMed 0.00004.
gnomAD v4.1: 18 of 1,613,914 alleles (0.0011%); highest among the groups gnomAD compares: Non-Finnish European, 0.0012%; no homozygotes.

Submissions (3):

Illumina Laboratory Services, Illumina
Classification: Likely benign for Fleck corneal dystrophy. Last evaluated: 2018-01-13. Review status: criteria provided, single submitter. Criteria: ICSL Variant Classification Criteria 13 December 2019. Collection method: clinical testing. Allele origin: germline.
Comment: This variant was observed in the ICSL laboratory as part of a predisposition screen in an ostensibly healthy population. It had not been previously curated by ICSL or reported in the Human Gene Mutation Database (HGMD: prior to June 1st, 2018), and was therefore a candidate for classification through an automated scoring system. Utilizing variant allele frequency, disease prevalence and penetrance estimates, and inheritance mode, an automated score was calculated to assess if this variant is too frequent to cause the disease. Based on the score and internal cut-off values, a variant classified as likely benign is not then subjected to further curation. The score for this variant resulted in a classification of likely benign for this disease.

Labcorp Genetics (formerly Invitae), Labcorp
Classification: Likely benign. Last evaluated: 2017-06-08. Review status: criteria provided, single submitter. Criteria: Invitae Variant Classification Sherloc (09022015). Collection method: clinical testing. Allele origin: germline.

PreventionGenetics, part of Exact Sciences
Classification: Likely benign for PIKFYVE-related condition. Last evaluated: 2019-08-08. Review status: no assertion criteria provided. Collection method: clinical testing. Allele origin: germline. Not counted in ClinVar's aggregate classification.
Comment: This variant is classified as likely benign based on ACMG/AMP sequence variant interpretation guidelines (Richards et al. 2015 PMID: 25741868, with internal and published modifications).